The following is an entry in ClinVar:

ClinVar aggregate classification (germline): Conflicting classifications of pathogenicity. Review status: criteria provided, conflicting classifications (1 of 4 stars). 4 submissions from 4 submitters: Uncertain significance (2); Likely benign (2). Last evaluated 2026-01-20.

Conditions:
MYO7A-related disorder. Also called: MYO7A-related disorders.

Allele frequency attached by ClinVar (database versions not stated): ExAC 0.00016; ESP Exome Variant Server 0.00024.
gnomAD v4.1: 143 of 1,601,640 alleles (0.0089%); highest among the groups gnomAD compares: Non-Finnish European, 0.0025%; 1 homozygote.

Submissions (4):

Labcorp Genetics (formerly Invitae), Labcorp
Classification: Likely benign. Last evaluated: 2026-01-20. Review status: criteria provided, single submitter. Criteria: Invitae Variant Classification Sherloc (09022015). Collection method: clinical testing. Allele origin: germline.

PreventionGenetics, part of Exact Sciences
Classification: Likely benign for MYO7A-related condition. Last evaluated: 2024-11-08. Review status: criteria provided, single submitter. Criteria: ACMG Guidelines, 2015. Collection method: clinical testing. Allele origin: germline.
Comment: This variant is classified as likely benign based on ACMG/AMP sequence variant interpretation guidelines (Richards et al. 2015 PMID: 25741868, with internal and published modifications).

Blueprint Genetics
Classification: Uncertain significance. Last evaluated: 2024-03-15. Review status: criteria provided, single submitter. Criteria: ACMG Guidelines, 2015. Collection method: clinical testing. Allele origin: germline.

GeneDx
Classification: Uncertain significance. Last evaluated: 2022-12-12. Review status: criteria provided, single submitter. Criteria: GeneDx Variant Classification Process June 2021. Collection method: clinical testing. Allele origin: germline. Affected: yes.
Comment: In silico analysis supports that this missense variant has a deleterious effect on protein structure/function; Has not been previously published as pathogenic or benign to our knowledge

NM_000260.4(MYO7A):c.5349C>A (p.Asp1783Glu)

Gene: MYO7A (myosin VIIA; plus strand). Cytogenetic location: 11q13.5.
Variant type: single nucleotide variant.
Coding change: c.5349C>A on transcript NM_000260.4 (MANE Select); coding-DNA position 5349, C replaced by A.
Protein change: p.Asp1783Glu; replaces aspartic acid 1783 with glutamic acid.
Molecular consequence: missense variant.
Genome position (GRCh38, 1-based): chr11:77,204,098, C>A. VCF-style: chr11-77204098-C-A. GRCh37 (hg19) VCF-style: chr11-76915143-C-A.
Other names: c.5235C>A, p.Asp1745Glu (NM_001127180.2); c.5202C>A, p.Asp1734Glu (NM_001369365.1); short protein forms D1734E, D1745E, D1783E.
Identifiers: ClinVar variation 1151051 (VCV001151051.15), dbSNP rs201008835, ClinGen allele CA6198689.
Genomic context (GRCh38, chr11:77,204,098, plus strand): 5'-CCTCTATTCGGCACAAGCCCTTCCTTGACAGTCCCCAGCTGTGCTCAAGTACATGGGCGA[C>A]TACCCGTCCAAGAGGACACGCTCCGTCAACGAGCTCACCGACCAGATCTTTGAGGGTCCC-3'
Protein context (NP_000251.3, residues 1773-1793): AFIAVLKYMG[Asp1783Glu]YPSKRTRSVN